The following is an entry in ClinVar:

NM_183381.3(RNF13):c.802G>A (p.Asp268Asn)

Gene: RNF13 (ring finger protein 13; plus strand). Cytogenetic location: 3q25.1.
Variant type: single nucleotide variant.
Coding change: c.802G>A on transcript NM_183381.3 (MANE Select); coding-DNA position 802, G replaced by A.
Protein change: p.Asp268Asn; replaces aspartic acid 268 with asparagine.
Molecular consequence: missense variant. On other transcripts: non-coding transcript variant (1).
Genome position (GRCh38, 1-based): chr3:149,960,760, G>A. VCF-style: chr3-149960760-G-A. GRCh37 (hg19) VCF-style: chr3-149678547-G-A.
Other names: c.802G>A, p.Asp268Asn (NM_001378285.1, NM_001378286.1, NM_007282.4); c.445G>A, p.Asp149Asn (NM_001378287.1, NM_001378288.1, NM_001378289.1 and 2 more transcripts); c.409G>A, p.Asp137Asn (NM_001378291.1); short protein forms D137N, D149N, D268N.
Identifiers: ClinVar variation 1715498 (VCV001715498.5), dbSNP rs2473634818, ClinGen allele CA354935415.

ClinVar aggregate classification (germline): Uncertain significance (1 of 4 stars; one submission).

Submission:

Labcorp Genetics (formerly Invitae), Labcorp
Classification: Uncertain significance. Last evaluated: 2022-08-07. Review status: criteria provided, single submitter. Criteria: Invitae Variant Classification Sherloc (09022015). Collection method: clinical testing. Allele origin: germline.
Comment: This sequence change replaces aspartic acid, which is acidic and polar, with asparagine, which is neutral and polar, at codon 268 of the RNF13 protein (p.Asp268Asn). In summary, the available evidence is currently insufficient to determine the role of this variant in disease. Therefore, it has been classified as a Variant of Uncertain Significance. Algorithms developed to predict the effect of missense changes on protein structure and function are either unavailable or do not agree on the potential impact of this missense change (SIFT: "Deleterious"; PolyPhen-2: "Probably Damaging"; Align-GVGD: "Class C15"). This variant has not been reported in the literature in individuals affected with RNF13-related conditions. This variant is not present in population databases (gnomAD no frequency).